The following is an entry in ClinVar:

NM_014049.5(ACAD9):c.73G>A (p.Ala25Thr)

Gene: ACAD9 (acyl-CoA dehydrogenase family member 9; plus strand). Cytogenetic location: 3q21.3.
Variant type: single nucleotide variant.
Coding change: c.73G>A on transcript NM_014049.5 (MANE Select); coding-DNA position 73, G replaced by A.
Protein change: p.Ala25Thr; replaces alanine 25 with threonine.
Molecular consequence: missense variant. On other transcripts: non-coding transcript variant (1).
Genome position (GRCh38, 1-based): chr3:128,879,764, G>A. VCF-style: chr3-128879764-G-A. GRCh37 (hg19) VCF-style: chr3-128598607-G-A.
Other names: c.73G>A (NM_014049.4); short protein forms A25T.
Identifiers: ClinVar variation 1399854 (VCV001399854.7), dbSNP rs771599560, ClinGen allele CA2601013.
Genomic context (GRCh38, chr3:128,879,764, plus strand): 5'-GGGCTCTTCCTGCGCACCACGGCTGCGGCTCGTGCCTGCCGGGGTCTGGTGGTCTCTACC[G>A]CGAACCGGCGGCTACTGCGCACCAGCCCGCCTGTACGAGCTTTCGCCAAAGAGCTTTTCC-3'
Protein context (NP_054768.2, residues 15-35): RACRGLVVST[Ala25Thr]NRRLLRTSPP

ClinVar aggregate classification (germline): Conflicting classifications of pathogenicity. Review status: criteria provided, conflicting classifications (1 of 4 stars). 3 submissions from 3 submitters: Uncertain significance (2); Likely benign (1). Last evaluated 2024-01-18.

Conditions:
Inborn genetic diseases. Identifiers: MedGen C0950123, MeSH D030342.

Allele frequency attached by ClinVar (database versions not stated): gnomAD 0.00001; TOPMed 0.00001; ExAC 0.00002; gnomAD exomes 0.00002 and 0.00004.
gnomAD v4.1: 58 of 1,613,388 alleles (0.0036%); highest among the groups gnomAD compares: Middle Eastern, 0.017%; no homozygotes.

Submissions (3):

Blueprint Genetics
Classification: Likely benign. Last evaluated: 2024-01-18. Review status: criteria provided, single submitter. Criteria: ACMG Guidelines, 2015. Collection method: clinical testing. Allele origin: germline.

Ambry Genetics
Classification: Uncertain significance for Inborn genetic diseases. Last evaluated: 2023-04-05. Review status: criteria provided, single submitter. Criteria: Ambry Variant Classification Scheme 2023. Collection method: clinical testing. Allele origin: germline.

Labcorp Genetics (formerly Invitae), Labcorp
Classification: Uncertain significance. Last evaluated: 2022-09-27. Review status: criteria provided, single submitter. Criteria: Invitae Variant Classification Sherloc (09022015). Collection method: clinical testing. Allele origin: germline.
Comment: This sequence change replaces alanine, which is neutral and non-polar, with threonine, which is neutral and polar, at codon 25 of the ACAD9 protein (p.Ala25Thr). This variant is present in population databases (rs771599560, gnomAD 0.005%). This variant has not been reported in the literature in individuals affected with ACAD9-related conditions. ClinVar contains an entry for this variant (Variation ID: 1399854). Advanced modeling of protein sequence and biophysical properties (such as structural, functional, and spatial information, amino acid conservation, physicochemical variation, residue mobility, and thermodynamic stability) performed at Invitae indicates that this missense variant is not expected to disrupt ACAD9 protein function. In summary, the available evidence is currently insufficient to determine the role of this variant in disease. Therefore, it has been classified as a Variant of Uncertain Significance.